The following is an entry in ClinVar:

NM_006767.4(LZTR1):c.1661C>T (p.Ala554Val)

Gene: LZTR1 (leucine zipper like post translational regulator 1; plus strand). Cytogenetic location: 22q11.21.
Variant type: single nucleotide variant.
Coding change: c.1661C>T on transcript NM_006767.4 (MANE Select); coding-DNA position 1661, C replaced by T.
Protein change: p.Ala554Val; replaces alanine 554 with valine.
Molecular consequence: missense variant.
Genome position (GRCh38, 1-based): chr22:20,994,603, C>T. VCF-style: chr22-20994603-C-T. GRCh37 (hg19) VCF-style: chr22-21348892-C-T.
Other names: short protein forms A554V.
Identifiers: ClinVar variation 1372038 (VCV001372038.11), dbSNP rs745597950, ClinGen allele CA322269715.

ClinVar aggregate classification (germline): Uncertain significance. Review status: criteria provided, multiple submitters, no conflicts (2 of 4 stars). 4 submissions from 4 submitters: Uncertain significance (4). Last evaluated 2026-04-09.

Conditions:
Hereditary cancer-predisposing syndrome. Also called: Hereditary Cancer Syndrome; Tumor predisposition; Neoplastic Syndromes, Hereditary; Hereditary neoplastic syndrome. Identifiers: Orphanet 140162, MedGen C0027672, MeSH D009386, MONDO:0015356.
Cardiovascular phenotype. Identifiers: MedGen CN230736.
LZTR1-related disorder. Also called: LZTR1-related disorders; LZTR1-related condition.

gnomAD v4.1: 11 of 1,612,530 alleles (0.00068%); highest among the groups gnomAD compares: African/African-American, 0.0013%; no homozygotes.

Submissions (4):

PreventionGenetics, part of Exact Sciences
Classification: Uncertain significance for LZTR1-related condition. Last evaluated: 2026-04-09. Review status: criteria provided, single submitter. Criteria: ACMG Guidelines, 2015. Collection method: clinical testing. Allele origin: germline.
Comment: The LZTR1 c.1661C>T variant is predicted to result in the amino acid substitution p.Ala554Val. To our knowledge, this variant has not been reported in the literature or in a large population database, indicating it is rare. An alternate missense change at the same amino acid position (p.Ala554Pro) has been reported in the heterozygous state in an individual with Noonan syndrome (Umeki et al. 2019. PubMed ID: 30368668). At this time, the clinical significance of the p.Ala554Val variant is uncertain due to the absence of conclusive functional and genetic evidence.

Labcorp Genetics (formerly Invitae), Labcorp
Classification: Uncertain significance. Last evaluated: 2025-09-14. Review status: criteria provided, single submitter. Criteria: Invitae Variant Classification Sherloc (09022015). Collection method: clinical testing. Allele origin: germline.
Comment: This sequence change replaces alanine, which is neutral and non-polar, with valine, which is neutral and non-polar, at codon 554 of the LZTR1 protein (p.Ala554Val). This variant is not present in population databases (gnomAD no frequency). This variant has not been reported in the literature in individuals affected with LZTR1-related conditions. ClinVar contains an entry for this variant (Variation ID: 1372038). Invitae Evidence Modeling of protein sequence and biophysical properties (such as structural, functional, and spatial information, amino acid conservation, physicochemical variation, residue mobility, and thermodynamic stability) indicates that this missense variant is not expected to disrupt LZTR1 protein function with a negative predictive value of 80%. In summary, the available evidence is currently insufficient to determine the role of this variant in disease. Therefore, it has been classified as a Variant of Uncertain Significance.

Ambry Genetics
Classification: Uncertain significance for Cardiovascular phenotype; Hereditary cancer-predisposing syndrome. Last evaluated: 2024-09-30. Review status: criteria provided, single submitter. Criteria: Ambry Variant Classification Scheme 2023. Collection method: clinical testing. Allele origin: germline.
Comment: The p.A554V variant (also known as c.1661C>T), located in coding exon 15 of the LZTR1 gene, results from a C to T substitution at nucleotide position 1661. The alanine at codon 554 is replaced by valine, an amino acid with similar properties. This amino acid position is conserved. In addition, this alteration is predicted to be deleterious by in silico analysis. Since supporting evidence is limited at this time, the clinical significance of this alteration remains unclear.

GeneDx
Classification: Uncertain significance. Last evaluated: 2024-05-09. Review status: criteria provided, single submitter. Criteria: GeneDx Variant Classification Process June 2021. Collection method: clinical testing. Allele origin: germline. Affected: yes.
Comment: Not observed at significant frequency in large population cohorts (gnomAD); In silico analysis supports that this missense variant has a deleterious effect on protein structure/function; Has not been previously published as pathogenic or benign to our knowledge